The following is an entry in ClinVar:

ClinVar aggregate classification (germline): Uncertain significance (1 of 4 stars; one submission).

Conditions:
Hereditary sensory neuropathy-deafness-dementia syndrome. Also called: NEUROPATHY, HEREDITARY SENSORY, WITH HEARING LOSS AND DEMENTIA; Hereditary Sensory and Autonomic Neuropathy Type 1E (HSAN1E); HSN IE; Hereditary sensory neuropathy type IE. Identifiers: Orphanet 456318, MedGen C3279885, MONDO:0013584, OMIM 614116.

Submission:

Victorian Clinical Genetics Services, Murdoch Childrens Research Institute
Classification: Uncertain significance for Hereditary sensory neuropathy-deafness-dementia syndrome. Last evaluated: 2024-12-10. Review status: criteria provided, single submitter. Criteria: ACMG Guidelines, 2015. Collection method: clinical testing. Allele origin: germline. Affected: yes.
Comment: This variant is classified as VUS-3A. Evidence in support of pathogenic classification: Variant is absent from gnomAD (v2, v3 and v4); Missense variant predicted to be damaging by an in silico tool or highly conserved with a major amino acid change; Additional information: Variant is predicted to result in a missense amino acid change from glycine to arginine; This variant is heterozygous; This gene is associated with autosomal dominant disease; This variant has no previous evidence of pathogenicity; No published segregation evidence has been identified for this variant; No published functional evidence has been identified for this variant; No comparable missense variants have previous evidence for pathogenicity; Variant is not located in an established domain, motif, hotspot or informative constraint region; Loss of function is a likely mechanism of disease in this gene and is associated with cerebellar ataxia, deafness, and narcolepsy (MIM#604121) and hereditary sensory neuropathy, type IE (MIM#614116).

NM_001130823.3(DNMT1):c.3388G>A (p.Gly1130Arg)

Gene: DNMT1 (DNA methyltransferase 1; minus strand). Cytogenetic location: 19p13.2.
Variant type: single nucleotide variant.
Coding change: c.3388G>A on transcript NM_001130823.3 (MANE Select); coding-DNA position 3388, G replaced by A.
Protein change: p.Gly1130Arg; replaces glycine 1130 with arginine.
Molecular consequence: missense variant.
Genome position (GRCh38, 1-based): chr19:10,141,111, C>T on the plus strand (G>A on the coding strand, the complement: DNMT1 is on the minus strand). VCF-style: chr19-10141111-C-T. GRCh37 (hg19) VCF-style: chr19-10251787-C-T.
Other names: c.3340G>A, p.Gly1114Arg (NM_001318730.2, NM_001379.4); c.3025G>A, p.Gly1009Arg (NM_001318731.2); short protein forms G1009R, G1114R, G1130R.
Identifiers: ClinVar variation 3254758 (VCV003254758.3), dbSNP rs2513782954.